The following is an entry in ClinVar:

NM_007274.4(ACOT7):c.144-8956C>T

Genes: ACOT7 (acyl-CoA thioesterase 7; minus strand), LOC129929234 (ATAC-STARR-seq lymphoblastoid active region 77; plus strand). Cytogenetic location: 1p36.31.
Variant type: single nucleotide variant.
Coding change: c.144-8956C>T on transcript NM_007274.4 (MANE Select); 8956 bases into the intron before coding-DNA position 144, C replaced by T.
Molecular consequence: intron variant.
Genome position (GRCh38, 1-based): chr1:6,358,822, G>A on the plus strand (C>T on the coding strand, the complement: ACOT7 is on the minus strand). VCF-style: chr1-6358822-G-A. GRCh37 (hg19) VCF-style: chr1-6418882-G-A.
Other names: c.174-8956C>T (NM_181864.3); c.83+1748C>T (NM_181865.3); c.20+4C>T (NM_181866.3).
Identifiers: ClinVar variation 3041235 (VCV003041235.2), dbSNP rs115700963, ClinGen allele CA559547.

ClinVar aggregate classification (germline): Benign (0 of 4 stars; one submission).

Conditions:
ACOT7-related disorder. Also called: ACOT7-related condition.

Allele frequency attached by ClinVar (database versions not stated): ExAC 0.00516; gnomAD 0.01492; 1000 Genomes Project 0.01518; 1000 Genomes Project 30x 0.01655; ESP Exome Variant Server 0.01684.
gnomAD v4.1: 4,578 of 1,613,832 alleles (0.28%); highest among the groups gnomAD compares: African/African-American, 5.3%; 109 homozygotes.

Submission:

PreventionGenetics, part of Exact Sciences
Classification: Benign for ACOT7-related condition. Last evaluated: 2019-12-06. Review status: no assertion criteria provided. Collection method: clinical testing. Allele origin: germline.
Comment: This variant is classified as benign based on ACMG/AMP sequence variant interpretation guidelines (Richards et al. 2015 PMID: 25741868, with internal and published modifications).